The following is an entry in ClinVar:

ClinVar aggregate classification (germline): Uncertain significance (1 of 4 stars; one submission).

Submission:

Ambry Genetics
Classification: Uncertain significance. Last evaluated: 2023-06-10. Review status: criteria provided, single submitter. Criteria: Ambry Variant Classification Scheme 2023. Collection method: clinical testing. Allele origin: germline.
Comment: The p.K3318E variant (also known as c.9952A>G), located in coding exon 71 of the PRKDC gene, results from an A to G substitution at nucleotide position 9952. The lysine at codon 3318 is replaced by glutamic acid, an amino acid with similar properties. This amino acid position is conserved. In addition, this alteration is predicted to be tolerated by in silico analysis. Since supporting evidence is limited at this time, the clinical significance of this alteration remains unclear.

NM_006904.7(PRKDC):c.9952A>G (p.Lys3318Glu)

Gene: PRKDC (protein kinase, DNA-activated, catalytic subunit; minus strand). Cytogenetic location: 8q11.21.
Variant type: single nucleotide variant.
Coding change: c.9952A>G on transcript NM_006904.7 (MANE Select); coding-DNA position 9952, A replaced by G.
Protein change: p.Lys3318Glu; replaces lysine 3318 with glutamic acid.
Molecular consequence: missense variant.
Genome position (GRCh38, 1-based): chr8:47,800,957, T>C on the plus strand (A>G on the coding strand, the complement: PRKDC is on the minus strand). VCF-style: chr8-47800957-T-C. GRCh37 (hg19) VCF-style: chr8-48713518-T-C.
Other names: c.9952A>G, p.Lys3318Glu (NM_001081640.2); short protein forms K3318E.
Identifiers: ClinVar variation 2564570 (VCV002564570.2), dbSNP rs2551863000, ClinGen allele CA371135902.